The following is an entry in ClinVar:

ClinVar aggregate classification (germline): Pathogenic (1 of 4 stars; one submission).

Conditions:
Primary ciliary dyskinesia 19. Also called: CILIARY DYSKINESIA, PRIMARY, 19, WITH OR WITHOUT SITUS INVERSUS. Identifiers: Orphanet 244, MedGen C3543826, MONDO:0013979, OMIM 614935.

Submission:

Labcorp Genetics (formerly Invitae), Labcorp
Classification: Pathogenic for Primary ciliary dyskinesia 19. Last evaluated: 2024-06-06. Review status: criteria provided, single submitter. Criteria: Invitae Variant Classification Sherloc (09022015). Collection method: clinical testing. Allele origin: germline.
Comment: This sequence change creates a premature translational stop signal (p.Gly57Serfs*3) in the LRRC6 gene. It is expected to result in an absent or disrupted protein product. Loss-of-function variants in LRRC6 are known to be pathogenic (PMID: 23122589). Information on the frequency of this variant in the gnomAD database is not available, as this variant may be reported differently in the database. This premature translational stop signal has been observed in individual(s) with primary ciliary dyskinesia (PMID: 23891469). For these reasons, this variant has been classified as Pathogenic.

Literature cited by the submitters: PubMed 23122589; PubMed 23891469.

NM_012472.6(DNAAF11):c.169_173delinsTCCCAAT (p.Gly57fs)

Gene: DNAAF11 (dynein axonemal assembly factor 11; minus strand). Cytogenetic location: 8q24.22.
Variant type: Indel.
Coding change: c.169_173delinsTCCCAAT on transcript NM_012472.6 (MANE Select); coding-DNA positions 169 to 173, GGGAA replaced by TCCCAAT.
Protein change: p.Gly57fs; shifts the reading frame from glycine 57.
Molecular consequence: frameshift variant. On other transcripts: 5 prime UTR variant (4), non-coding transcript variant (7), intron variant (1).
Genome position (GRCh38, 1-based): chr8:132,661,465-132,661,469, TTCCC replaced by ATTGGGA on the plus strand (GGGAA replaced by TCCCAAT on the coding strand, the reverse complement: DNAAF11 is on the minus strand). VCF-style: chr8-132661465-TTCCC-ATTGGGA. GRCh37 (hg19) VCF-style: chr8-133673711-TTCCC-ATTGGGA.
Other names: c.169_173delinsTCCCAAT, p.Gly57fs (NM_001321961.2); c.-192_-188delinsTCCCAAT (NM_001321963.2, NM_001321964.2, NM_001321966.2); c.-505_-501delinsTCCCAAT (NM_001321965.2); c.10+14015_10+14019delinsTCCCAAT (NM_001321962.2); short protein forms G57fs.
Identifiers: ClinVar variation 3655793 (VCV003655793.2).